The following is an entry in ClinVar:

ClinVar aggregate classification (germline): Likely pathogenic (1 of 4 stars; one submission).

Conditions:
GNPTAB-Related Disorders. Also called: GNPTAB-related disorder; GNPTAB-related condition. Identifiers: MedGen CN381523.

Submission:

PreventionGenetics, part of Exact Sciences
Classification: Likely pathogenic for GNPTAB-related condition. Last evaluated: 2023-06-08. Review status: criteria provided, single submitter. Criteria: ACMG Guidelines, 2015. Collection method: clinical testing. Allele origin: germline.
Comment: The GNPTAB c.2229dupA variant is predicted to result in a frameshift and premature protein termination (p.Gln744Thrfs*4). To our knowledge, this variant has not been reported in the literature or in a large population database, indicating this variant is rare. Frameshift variants in GNPTAB are expected to be pathogenic. This variant is interpreted as likely pathogenic.

NM_024312.5(GNPTAB):c.2229dup (p.Gln744fs)

Gene: GNPTAB (N-acetylglucosamine-1-phosphate transferase subunits alpha and beta; minus strand). Cytogenetic location: 12q23.2.
Variant type: Duplication.
Coding change: c.2229dup on transcript NM_024312.5 (MANE Select); coding-DNA position 2229, one base duplicated (A; older notation c.2229dupA).
Protein change: p.Gln744fs; shifts the reading frame from glutamine 744.
Molecular consequence: frameshift variant.
Genome position (GRCh38, 1-based): chr12:101,764,688, T duplicated on the plus strand (A on the coding strand, the reverse complement: GNPTAB is on the minus strand). VCF-style (leftmost placement, unchanged base first): chr12-101764687-G-GT. GRCh37 (hg19) VCF-style: chr12-102158465-G-GT.
Other names: short protein forms Q744fs.
Identifiers: ClinVar variation 2632632 (VCV002632632.1), dbSNP rs2547957205, ClinGen allele CA2695199163.
Genomic context (GRCh38, chr12:101,764,687, plus strand): 5'-CCACCAAACTGTCATTTGTTTCATCTGTTATTATAGCTTGATTTTTTATTTTAGCATGCT[G>GT]TGAGTTCATCAGAAATGATCTCAGCAAGGCTGACTTGGACAAATTGTATCCTTTCAAAGT-3'